The following is an entry in ClinVar:

ClinVar aggregate classification (germline): Uncertain significance (1 of 4 stars; one submission).

Submission:

GeneDx
Classification: Uncertain significance. Last evaluated: 2025-08-28. Review status: criteria provided, single submitter. Criteria: GeneDx Variant Classification Process June 2021. Collection method: clinical testing. Allele origin: germline. Affected: yes.
Comment: Not observed at significant frequency in large population cohorts (gnomAD); In silico analysis supports a deleterious effect on splicing; Has not been previously published as pathogenic or benign to our knowledge

NM_194277.3(FRMD7):c.906-6T>G

Gene: FRMD7 (FERM domain containing 7; minus strand). Cytogenetic location: Xq26.2.
Variant type: single nucleotide variant.
Coding change: c.906-6T>G on transcript NM_194277.3 (MANE Select); 6 bases into the intron before coding-DNA position 906, T replaced by G.
Molecular consequence: intron variant.
Genome position (GRCh38, 1-based): chrX:132,080,272, A>C on the plus strand (T>G on the coding strand, the complement: FRMD7 is on the minus strand). VCF-style: chrX-132080272-A-C. GRCh37 (hg19) VCF-style: chrX-131214300-A-C.
Other names: c.861-6T>G (NM_001306193.2).
Identifiers: ClinVar variation 4812931 (VCV004812931.1).